The following is an entry in ClinVar:

ClinVar aggregate classification (germline): Likely benign. Review status: criteria provided, multiple submitters, no conflicts (2 of 4 stars). 5 submissions from 5 submitters: Likely benign (4). 1 of the submissions does not count toward it. Last evaluated 2025-04-23.

Conditions:
Hereditary breast ovarian cancer syndrome. Also called: Hereditary breast and ovarian cancer syndrome; BRCA1- and BRCA2-Associated Hereditary Breast and Ovarian Cancer; Hereditary breast and ovarian cancer; Hereditary breast and ovarian cancer syndrome (HBOC); Breast and ovarian cancer; Hereditary breast and/or ovarian cancer syndrome. Identifiers: Orphanet 145, MedGen C0677776, MeSH D061325, MONDO:0003582. Disease mechanism: loss of function.
Familial cancer of breast. Also called: BREAST CANCER, FAMILIAL; Hereditary breast cancer; hereditary breast carcinoma. Identifiers: Orphanet 227535, MedGen C0346153, MONDO:0016419, OMIM 114480. Disease mechanism: loss of function.
Hereditary cancer-predisposing syndrome. Also called: Neoplastic Syndromes, Hereditary; Tumor predisposition; Hereditary Cancer Syndrome; Hereditary neoplastic syndrome. Identifiers: Orphanet 140162, MedGen C0027672, MeSH D009386, MONDO:0015356.

Allele frequency attached by ClinVar (database versions not stated): gnomAD exomes below 0.00001.
gnomAD v4.1: 2 of 1,614,148 alleles (0.00012%); highest among the groups gnomAD compares: East Asian, 0.0022%; no homozygotes.

Submissions (5):

Labcorp Genetics (formerly Invitae), Labcorp
Classification: Likely benign for Hereditary breast ovarian cancer syndrome. Last evaluated: 2025-04-23. Review status: criteria provided, single submitter. Criteria: Invitae Variant Classification Sherloc (09022015). Collection method: clinical testing. Allele origin: germline.

Ambry Genetics
Classification: Likely benign for Hereditary cancer-predisposing syndrome. Last evaluated: 2024-10-25. Review status: criteria provided, single submitter. Criteria: Ambry Variant Classification Scheme 2023. Collection method: clinical testing. Allele origin: germline.

Women's Health and Genetics/Laboratory Corporation of America, LabCorp
Classification: Likely benign. Last evaluated: 2020-07-30. Review status: criteria provided, single submitter. Criteria: LabCorp Variant Classification Summary - May 2015. Collection method: clinical testing. Allele origin: germline.
Comment: Variant summary: BRCA1 c.3660T>C alters a non-conserved nucleotide resulting in a synonymous change. 4/4 computational tools predict no significant impact on normal splicing. However, these predictions have yet to be confirmed by functional studies. The variant allele was found at a frequency of 4e-06 in 251302 control chromosomes. The available data on variant occurrences in the general population are insufficient to allow any conclusion about variant significance. To our knowledge, no occurrence of c.3660T>C in individuals affected with Hereditary Breast And Ovarian Cancer Syndrome and no experimental evidence demonstrating its impact on protein function have been reported. One clinical diagnostic laboratory has submitted clinical-significance assessments for this variant to ClinVar after 2014 without evidence for independent evaluation and cited the variant as likely benign. Based on the evidence outlined above, the variant was classified as likely benign.

Color Diagnostics, LLC DBA Color Health
Classification: Likely benign for Hereditary cancer-predisposing syndrome. Last evaluated: 2019-02-06. Review status: criteria provided, single submitter. Criteria: ACMG Guidelines, 2015. Collection method: clinical testing. Allele origin: germline.

Center for Precision Medicine, Meizhou People's Hospital
Classification: Uncertain significance for Familial cancer of breast. Review status: no assertion criteria provided. Collection method: curation. Allele origin: germline. Affected: yes. Not counted in ClinVar's aggregate classification.

NM_007294.4(BRCA1):c.3660T>C (p.Asp1220=)

Genes: BRCA1 (BRCA1 DNA repair associated; minus strand), LOC126862571 (BRD4-independent group 4 enhancer GRCh37_chr17:41243136-41244335; plus strand). Cytogenetic location: 17q21.31.
Variant type: single nucleotide variant.
Coding change: c.3660T>C on transcript NM_007294.4 (MANE Select); coding-DNA position 3660, T replaced by C.
Protein change: p.Asp1220=; no amino-acid change (aspartic acid 1220 retained).
Molecular consequence: synonymous variant. On other transcripts: intron variant (135).
Genome position (GRCh38, 1-based): chr17:43,091,871, A>G on the plus strand (T>C on the coding strand, the complement: BRCA1 is on the minus strand). VCF-style: chr17-43091871-A-G. GRCh37 (hg19) VCF-style: chr17-41243888-A-G.
Other names: c.3447T>C, p.Asp1149= (NM_001407571.1, NM_001407853.1, NM_001407894.1 and 9 more transcripts); c.3660T>C, p.Asp1220= (NM_001407581.1, NM_001407582.1, NM_001407583.1 and 30 more transcripts); c.3657T>C, p.Asp1219= (NM_001407587.1, NM_001407590.1, NM_001407591.1 and 22 more transcripts); c.3651T>C, p.Asp1217= (NM_001407646.1, NM_001407647.1); c.3537T>C, p.Asp1179= (NM_001407648.1, NM_001407664.1, NM_001407665.1 and 19 more transcripts); c.3534T>C, p.Asp1178= (NM_001407649.1, NM_001407670.1, NM_001407671.1 and 11 more transcripts); c.3582T>C, p.Asp1194= (NM_001407653.1, NM_001407654.1, NM_001407655.1 and 4 more transcripts); c.3579T>C, p.Asp1193= (NM_001407659.1, NM_001407660.1, NM_001407661.1 and 1 more transcripts); and 41 more.
Identifiers: ClinVar variation 926212 (VCV000926212.15), dbSNP rs1365746397, ClinGen allele CA500231940.